The following is an entry in ClinVar:

NM_000062.3(SERPING1):c.540G>C (p.Gln180His)

Gene: SERPING1 (serpin family G member 1; plus strand). Cytogenetic location: 11q12.1.
Variant type: single nucleotide variant.
Coding change: c.540G>C on transcript NM_000062.3 (MANE Select); coding-DNA position 540, G replaced by C.
Protein change: p.Gln180His; replaces glutamine 180 with histidine.
Molecular consequence: missense variant.
Genome position (GRCh38, 1-based): chr11:57,600,367, G>C. VCF-style: chr11-57600367-G-C. GRCh37 (hg19) VCF-style: chr11-57367840-G-C.
Other names: c.540G>C, p.Gln180His (NM_001032295.2); c.540G>C (NM_000062.2); short protein forms Q180H.
Identifiers: ClinVar variation 1521103 (VCV001521103.9), dbSNP rs2135308836, ClinGen allele CA380695672.
Genomic context (GRCh38, chr11:57,600,367, plus strand): 5'-GAAGAAGGTGGAGACCAACATGGCCTTTTCCCCATTCAGCATCGCCAGCCTCCTTACCCA[G>C]GTCCTGCTCGGTAAGACCCTGCTTGAATTCTCTCCAGGTCATTTGTTGGACACTCCCATA-3'
Protein context (NP_000053.2, residues 170-190): SPFSIASLLT[Gln180His]VLLGAGENTK

ClinVar aggregate classification (germline): Uncertain significance. Review status: criteria provided, multiple submitters, no conflicts (2 of 4 stars). 2 submissions from 2 submitters: Uncertain significance (2). Last evaluated 2025-12-02.

Conditions:
Inborn genetic diseases. Identifiers: MedGen C0950123, MeSH D030342.

Allele frequency attached by ClinVar (database versions not stated): gnomAD exomes below 0.00001.
gnomAD v4.1: 5 of 1,612,336 alleles (0.00031%); highest among the groups gnomAD compares: Non-Finnish European, 0.00034%; no homozygotes.

Submissions (2):

Ambry Genetics
Classification: Uncertain significance for Inborn genetic diseases. Last evaluated: 2025-12-02. Review status: criteria provided, single submitter. Criteria: Ambry Variant Classification Scheme 2023. Collection method: clinical testing. Allele origin: germline.

Labcorp Genetics (formerly Invitae), Labcorp
Classification: Uncertain significance. Last evaluated: 2023-08-24. Review status: criteria provided, single submitter. Criteria: Invitae Variant Classification Sherloc (09022015). Collection method: clinical testing. Allele origin: germline.
Comment: Algorithms developed to predict the effect of missense changes on protein structure and function output the following: SIFT: "Not Available"; PolyPhen-2: "Benign"; Align-GVGD: "Not Available". The histidine amino acid residue is found in multiple mammalian species, which suggests that this missense change does not adversely affect protein function. In summary, the available evidence is currently insufficient to determine the role of this variant in disease. Therefore, it has been classified as a Variant of Uncertain Significance. This sequence change replaces glutamine, which is neutral and polar, with histidine, which is basic and polar, at codon 180 of the SERPING1 protein (p.Gln180His). This variant is not present in population databases (gnomAD no frequency). This variant has not been reported in the literature in individuals affected with SERPING1-related conditions. ClinVar contains an entry for this variant (Variation ID: 1521103).